The following is an entry in ClinVar:

NM_033641.4(COL4A6):c.2425G>A (p.Gly809Arg)

Gene: COL4A6 (collagen type IV alpha 6 chain; minus strand). Cytogenetic location: Xq22.3.
Variant type: single nucleotide variant.
Coding change: c.2425G>A on transcript NM_033641.4 (MANE Select); coding-DNA position 2425, G replaced by A.
Protein change: p.Gly809Arg; replaces glycine 809 with arginine.
Molecular consequence: missense variant.
Genome position (GRCh38, 1-based): chrX:108,178,774, C>T on the plus strand (G>A on the coding strand, the complement: COL4A6 is on the minus strand). VCF-style: chrX-108178774-C-T. GRCh37 (hg19) VCF-style: chrX-107422004-C-T.
Other names: c.2476G>A, p.Gly826Arg (NM_001287758.2); c.2425G>A, p.Gly809Arg (NM_001287759.2, NM_001287760.2); c.2428G>A, p.Gly810Arg (NM_001847.4); short protein forms G809R, G810R, G826R.
Identifiers: ClinVar variation 3627623 (VCV003627623.2).

ClinVar aggregate classification (germline): Uncertain significance (1 of 4 stars; one submission).

gnomAD v4.1: 1 of 1,211,729 alleles (0.000083%); highest among the groups gnomAD compares: Admixed American, 0.0022%; no homozygotes.

Submission:

Labcorp Genetics (formerly Invitae), Labcorp
Classification: Uncertain significance. Last evaluated: 2024-10-16. Review status: criteria provided, single submitter. Criteria: Invitae Variant Classification Sherloc (09022015). Collection method: clinical testing. Allele origin: germline.
Comment: This sequence change replaces glycine, which is neutral and non-polar, with arginine, which is basic and polar, at codon 810 of the COL4A6 protein (p.Gly810Arg). This variant is present in population databases (rs754935367, gnomAD 0.004%). This variant has not been reported in the literature in individuals affected with COL4A6-related conditions. Invitae Evidence Modeling of protein sequence and biophysical properties (such as structural, functional, and spatial information, amino acid conservation, physicochemical variation, residue mobility, and thermodynamic stability) indicates that this missense variant is expected to disrupt COL4A6 protein function with a positive predictive value of 80%. In summary, the available evidence is currently insufficient to determine the role of this variant in disease. Therefore, it has been classified as a Variant of Uncertain Significance.